The following is an entry in ClinVar:

NM_015378.4(VPS13D):c.1672C>G (p.Arg558Gly)

Gene: VPS13D (vacuolar protein sorting 13 homolog D; plus strand). Cytogenetic location: 1p36.22.
Variant type: single nucleotide variant.
Coding change: c.1672C>G on transcript NM_015378.4 (MANE Select); coding-DNA position 1672, C replaced by G.
Protein change: p.Arg558Gly; replaces arginine 558 with glycine.
Molecular consequence: missense variant.
Genome position (GRCh38, 1-based): chr1:12,266,958, C>G. VCF-style: chr1-12266958-C-G. GRCh37 (hg19) VCF-style: chr1-12327015-C-G.
Other names: p.Arg558Gly; c.1672C>G, p.Arg558Gly (NM_018156.4); short protein forms R558G.
Identifiers: ClinVar variation 3380828 (VCV003380828.1).

ClinVar aggregate classification (germline): Uncertain significance (1 of 4 stars; one submission).

gnomAD v4.1: 134 of 1,610,766 alleles (0.0083%); highest among the groups gnomAD compares: Non-Finnish European, 0.011%; no homozygotes.

Submission:

Mayo Clinic Laboratories, Mayo Clinic
Classification: Uncertain significance. Last evaluated: 2024-06-19. Review status: criteria provided, single submitter. Criteria: ACMG Guidelines, 2015. Collection method: clinical testing. Allele origin: germline. Observed: 2 variant alleles.
Comment: BP4, PM2